The following is an entry in ClinVar:

NM_002230.4(JUP):c.716T>C (p.Val239Ala)

Gene: JUP (junction plakoglobin; minus strand). Cytogenetic location: 17q21.2.
Variant type: single nucleotide variant.
Coding change: c.716T>C on transcript NM_002230.4 (MANE Select); coding-DNA position 716, T replaced by C.
Protein change: p.Val239Ala; replaces valine 239 with alanine.
Molecular consequence: missense variant.
Genome position (GRCh38, 1-based): chr17:41,767,572, A>G on the plus strand (T>C on the coding strand, the complement: JUP is on the minus strand). VCF-style: chr17-41767572-A-G. GRCh37 (hg19) VCF-style: chr17-39923824-A-G.
Other names: c.716T>C, p.Val239Ala (NM_001352773.2, NM_001352774.2, NM_001352775.2 and 3 more transcripts); short protein forms V239A.
Identifiers: ClinVar variation 1757477 (VCV001757477.2), dbSNP rs2544163011, ClinGen allele CA399501792.
Genomic context (GRCh38, chr17:41,767,572, plus strand): 5'-CCCTCCTGGTACAGGAGCAGGTTGTGCAGCGTGGTGATGGCATAGAACAGGACCGACTCC[A>G]CAGGGGAGCTGGGGGGGTGGGCAGGGGTTAGTACGCTGAGGTCCCAGAGGCCTGGCATAC-3'
Protein context (NP_002221.1, residues 229-249): PALVRMLSSP[Val239Ala]ESVLFYAITT

ClinVar aggregate classification (germline): Uncertain significance (1 of 4 stars; one submission).

Conditions:
Cardiovascular phenotype. Identifiers: MedGen CN230736.

Submission:

Ambry Genetics
Classification: Uncertain significance for Cardiovascular phenotype. Last evaluated: 2020-01-06. Review status: criteria provided, single submitter. Criteria: Ambry Variant Classification Scheme 2023. Collection method: clinical testing. Allele origin: germline.
Comment: The p.V239A variant (also known as c.716T>C), located in coding exon 4 of the JUP gene, results from a T to C substitution at nucleotide position 716. The valine at codon 239 is replaced by alanine, an amino acid with similar properties. This amino acid position is well conserved in available vertebrate species. In addition, the in silico prediction for this alteration is inconclusive. Since supporting evidence is limited at this time, the clinical significance of this alteration remains unclear.